The following is an entry in ClinVar:

NM_001723.7(DST):c.5933G>A (p.Arg1978Lys)

Gene: DST (dystonin; minus strand). Cytogenetic location: 6p12.1.
Variant type: single nucleotide variant.
Coding change: c.5933G>A on transcript NM_001723.7 (MANE Plus Clinical); coding-DNA position 5933, G replaced by A.
Protein change: p.Arg1978Lys; replaces arginine 1978 with lysine.
Molecular consequence: missense variant. On other transcripts: intron variant (10).
Genome position (GRCh38, 1-based): chr6:56,618,101, C>T on the plus strand (G>A on the coding strand, the complement: DST is on the minus strand). VCF-style: chr6-56618101-C-T. GRCh37 (hg19) VCF-style: chr6-56482899-C-T.
Other names: c.4831-3617G>A (NM_001144769.5); c.4930-3617G>A (NM_001374722.1, NM_001374736.1); c.4957-3617G>A (NM_001374734.1); c.4417-3617G>A (NM_001144770.2); c.4297-3617G>A (NM_001374730.1, NM_001386100.1, NM_183380.4 and 1 more transcripts); c.3319-3617G>A (NM_015548.5); short protein forms R1978K.
Identifiers: ClinVar variation 1521757 (VCV001521757.6), dbSNP rs1387585045, ClinGen allele CA364566260.
Genomic context (GRCh38, chr6:56,618,101, plus strand): 5'-CTAACAGGTGGTCTAGAATTGTTCAGGGCTTGGTCTCTTATCTTCTCAATTTCAGACAGT[C>T]TTGTAATGGGGTTTGTCTCATCAAAAGTTATCTGTAACTCGGTGCTTGTCTGAGAAAAGT-3'
Protein context (NP_001714.1, residues 1968-1988): ITFDETNPIT[Arg1978Lys]LSEIEKIRDQ

ClinVar aggregate classification (germline): Uncertain significance (1 of 4 stars; one submission).

Conditions:
Hereditary sensory and autonomic neuropathy type 6. Also called: HSAN VI; Neuropathy, hereditary sensory and autonomic, type VI. Identifiers: Orphanet 314381, MedGen C3539003, MONDO:0013839, OMIM 614653.
Epidermolysis bullosa simplex 3, localized or generalized intermediate, with BP230 deficiency (EBS3). Also called: Epidermolysis bullosa simplex due to BP230 deficiency; Epidermolysis bullosa simplex, autosomal recessive 2. Identifiers: Orphanet 412181, MedGen C3809470, MONDO:0014180, OMIM 615425.

Allele frequency attached by ClinVar (database versions not stated): gnomAD exomes below 0.00001; TOPMed 0.00001; gnomAD 0.00003.
gnomAD v4.1: 10 of 1,613,984 alleles (0.00062%); highest among the groups gnomAD compares: Non-Finnish European, 0.00085%; no homozygotes.

Submission:

Labcorp Genetics (formerly Invitae), Labcorp
Classification: Uncertain significance for Epidermolysis bullosa simplex 3, localized or generalized intermediate, with BP230 deficiency; Hereditary sensory and autonomic neuropathy type 6. Last evaluated: 2022-12-20. Review status: criteria provided, single submitter. Criteria: Invitae Variant Classification Sherloc (09022015). Collection method: clinical testing. Allele origin: germline.
Comment: In summary, the available evidence is currently insufficient to determine the role of this variant in disease. Therefore, it has been classified as a Variant of Uncertain Significance. Algorithms developed to predict the effect of missense changes on protein structure and function (SIFT, PolyPhen-2, Align-GVGD) all suggest that this variant is likely to be tolerated. ClinVar contains an entry for this variant (Variation ID: 1521757). This variant has not been reported in the literature in individuals affected with DST-related conditions. This variant is not present in population databases (gnomAD no frequency). This sequence change replaces arginine, which is basic and polar, with lysine, which is basic and polar, at codon 1978 of the DST protein (p.Arg1978Lys).